The following is an entry in ClinVar:

ClinVar aggregate classification (germline): Conflicting classifications of pathogenicity. Review status: criteria provided, conflicting classifications (1 of 4 stars). 3 submissions from 3 submitters: Uncertain significance (2); Likely benign (1). Last evaluated 2024-10-28.

Allele frequency attached by ClinVar (database versions not stated): 1000 Genomes Project 0.00020; gnomAD exomes 0.00020 and 0.00033; ExAC 0.00023; 1000 Genomes Project 30x 0.00031; gnomAD 0.00031 and 0.00032; ESP Exome Variant Server 0.00038; TOPMed 0.00052.
gnomAD v4.1: 371 of 1,613,818 alleles (0.023%); highest among the groups gnomAD compares: Admixed American, 0.13%; 1 homozygote.

Submissions (3):

Blueprint Genetics
Classification: Uncertain significance. Last evaluated: 2024-10-28. Review status: criteria provided, single submitter. Criteria: ACMG Guidelines, 2015. Collection method: clinical testing. Allele origin: germline.

Labcorp Genetics (formerly Invitae), Labcorp
Classification: Uncertain significance. Last evaluated: 2022-10-24. Review status: criteria provided, single submitter. Criteria: Invitae Variant Classification Sherloc (09022015). Collection method: clinical testing. Allele origin: germline.
Comment: This sequence change replaces cysteine, which is neutral and slightly polar, with arginine, which is basic and polar, at codon 1528 of the CENPF protein (p.Cys1528Arg). This variant is present in population databases (rs141472136, gnomAD 0.1%). This variant has not been reported in the literature in individuals affected with CENPF-related conditions. ClinVar contains an entry for this variant (Variation ID: 1194093). Algorithms developed to predict the effect of missense changes on protein structure and function (SIFT, PolyPhen-2, Align-GVGD) all suggest that this variant is likely to be tolerated. In summary, the available evidence is currently insufficient to determine the role of this variant in disease. Therefore, it has been classified as a Variant of Uncertain Significance.

GeneDx
Classification: Likely benign. Last evaluated: 2020-08-26. Review status: criteria provided, single submitter. Criteria: GeneDx Variant Classification Process June 2021. Collection method: clinical testing. Allele origin: germline. Affected: yes.
Comment: This variant is associated with the following publications: (PMID: 25564561)

NM_016343.4(CENPF):c.4582T>C (p.Cys1528Arg)

Gene: CENPF (centromere protein F; plus strand). Cytogenetic location: 1q41.
Variant type: single nucleotide variant.
Coding change: c.4582T>C on transcript NM_016343.4 (MANE Select); coding-DNA position 4582, T replaced by C.
Protein change: p.Cys1528Arg; replaces cysteine 1528 with arginine.
Molecular consequence: missense variant.
Genome position (GRCh38, 1-based): chr1:214,642,920, T>C. VCF-style: chr1-214642920-T-C. GRCh37 (hg19) VCF-style: chr1-214816263-T-C.
Other names: short protein forms C1528R.
Identifiers: ClinVar variation 1194093 (VCV001194093.5), dbSNP rs141472136, ClinGen allele CA1390617.
Genomic context (GRCh38, chr1:214,642,920, plus strand): 5'-CTTTTGAGTAATTTAGAAGGGGCTGTTTCAGCAAACCAGTGCAGTGTAGATGAAGTATTT[T>C]GCAGCAGTCTGCAGGAGGAGAATCTGACCAGGAAAGAAACCCCTTCGGCCCCAGCGAAGG-3'
Protein context (NP_057427.3, residues 1518-1538): ANQCSVDEVF[Cys1528Arg]SSLQEENLTR